The following is an entry in ClinVar:

NM_020843.4(SCAPER):c.4024G>A (p.Val1342Ile)

Gene: SCAPER (S-phase cyclin A associated protein in the ER; minus strand). Cytogenetic location: 15q24.3.
Variant type: single nucleotide variant.
Coding change: c.4024G>A on transcript NM_020843.4 (MANE Select); coding-DNA position 4024, G replaced by A.
Protein change: p.Val1342Ile; replaces valine 1342 with isoleucine.
Molecular consequence: missense variant. On other transcripts: non-coding transcript variant (1).
Genome position (GRCh38, 1-based): chr15:76,353,972, C>T on the plus strand (G>A on the coding strand, the complement: SCAPER is on the minus strand). VCF-style: chr15-76353972-C-T. GRCh37 (hg19) VCF-style: chr15-76646313-C-T.
Other names: c.3286G>A, p.Val1096Ile (NM_001145923.2); c.4042G>A (NM_001353009.1); c.4042G>A, p.Val1348Ile (NM_001353009.2); c.3622G>A, p.Val1208Ile (NM_001353010.2, NM_001353012.2); c.3640G>A, p.Val1214Ile (NM_001353011.2); short protein forms V1208I, V1096I, V1214I, V1342I, V1348I.
Identifiers: ClinVar variation 4925916 (VCV004925916.2).

ClinVar aggregate classification (germline): Uncertain significance. Review status: criteria provided, multiple submitters, no conflicts (2 of 4 stars). 2 submissions from 2 submitters: Uncertain significance (2). Last evaluated 2026-03-26.

Conditions:
SCAPER-related disorder. Also called: SCAPER-related condition.

gnomAD v4.1: 64 of 1,586,334 alleles (0.004%); highest among the groups gnomAD compares: Middle Eastern, 0.017%; no homozygotes.

Submissions (2):

PreventionGenetics, part of Exact Sciences
Classification: Uncertain significance for SCAPER-related condition. Last evaluated: 2026-03-26. Review status: criteria provided, single submitter. Criteria: ACMG Guidelines, 2015. Collection method: clinical testing. Allele origin: germline.
Comment: The SCAPER c.4042G>A variant is predicted to result in the amino acid substitution p.Val1348Ile. To our knowledge, this variant has not been reported in the literature. This variant is reported in 0.0066% of alleles in individuals of European (Non-Finnish) descent in gnomAD. At this time, the clinical significance of this variant is uncertain due to the absence of conclusive functional and genetic evidence.

Blueprint Genetics
Classification: Uncertain significance. Last evaluated: 2024-09-01. Review status: criteria provided, single submitter. Criteria: ACMG Guidelines, 2015. Collection method: clinical testing. Allele origin: germline.